The following is an entry in ClinVar:

ClinVar aggregate classification (germline): Uncertain significance (1 of 4 stars; one submission).

Conditions:
Familial melanoma. Also called: Hereditary melanoma; Hereditary cutaneous melanoma. Identifiers: Orphanet 618, MedGen C1512419, MONDO:0018961.

Submission:

Labcorp Genetics (formerly Invitae), Labcorp
Classification: Uncertain significance for Familial melanoma. Last evaluated: 2022-09-01. Review status: criteria provided, single submitter. Criteria: Invitae Variant Classification Sherloc (09022015). Collection method: clinical testing. Allele origin: germline.
Comment: Advanced modeling of protein sequence and biophysical properties (such as structural, functional, and spatial information, amino acid conservation, physicochemical variation, residue mobility, and thermodynamic stability) performed at Invitae indicates that this missense variant is not expected to disrupt CDK4 protein function. In summary, the available evidence is currently insufficient to determine the role of this variant in disease. Therefore, it has been classified as a Variant of Uncertain Significance. Algorithms developed to predict the effect of sequence changes on RNA splicing suggest that this variant may create or strengthen a splice site. This variant has not been reported in the literature in individuals affected with CDK4-related conditions. This variant is not present in population databases (gnomAD no frequency). This sequence change replaces lysine, which is basic and polar, with arginine, which is basic and polar, at codon 282 of the CDK4 protein (p.Lys282Arg).

NM_000075.4(CDK4):c.845A>G (p.Lys282Arg)

Genes: CDK4 (cyclin dependent kinase 4; minus strand), TSPAN31 (tetraspanin 31; plus strand). Cytogenetic location: 12q14.1.
Variant type: single nucleotide variant.
Coding change: c.845A>G on transcript NM_000075.4 (MANE Select); coding-DNA position 845, A replaced by G.
Protein change: p.Lys282Arg; replaces lysine 282 with arginine.
Molecular consequence: missense variant. On other transcripts: 3 prime UTR variant (3).
Genome position (GRCh38, 1-based): chr12:57,748,592, T>C on the plus strand (A>G on the coding strand, the complement: CDK4 is on the minus strand). VCF-style: chr12-57748592-T-C. GRCh37 (hg19) VCF-style: chr12-58142375-T-C.
Other names: c.*1302T>C (NM_001330168.2, NM_001330169.2, NM_005981.5); short protein forms K282R.
Identifiers: ClinVar variation 1718625 (VCV001718625.5), dbSNP rs2140381204, ClinGen allele CA385542492.
Genomic context (GRCh38, chr12:57,748,592, plus strand): 5'-GGATTACCTTCATCCTTATGTAGATAAGAGTGCTGCAGAGCTCGAAAGGCAGAGATTCGC[T>C]TGTGTGGGTTAAAAGTCAGCATTTCCTGAGGGGAGAGGCAAAGGTCAGAAAACCATGAAG-3'
Protein context (NP_000066.1, residues 272-292): LLEMLTFNPH[Lys282Arg]RISAFRALQH